The following is an entry in ClinVar:

NM_003336.4(UBE2A):c.125+1G>T

Gene: UBE2A (ubiquitin conjugating enzyme E2 A; plus strand). Cytogenetic location: Xq24.
Variant type: single nucleotide variant.
Coding change: c.125+1G>T on transcript NM_003336.4 (MANE Select); the canonical splice donor site of the intron after coding-DNA position 125, G replaced by T.
Molecular consequence: splice donor variant.
Genome position (GRCh38, 1-based): chrX:119,574,982, G>T. VCF-style: chrX-119574982-G-T. GRCh37 (hg19) VCF-style: chrX-118708945-G-T.
Other names: c.125+1G>T (NM_181762.3); c.26+1G>T (NM_001282161.2).
Identifiers: ClinVar variation 4884399 (VCV004884399.1).

ClinVar aggregate classification (germline): Likely pathogenic (1 of 4 stars; one submission).

Conditions:
Intellectual developmental disorder, X-linked, syndromic, Nascimento type. Also called: MENTAL RETARDATION, X-LINKED, SYNDROMIC 30; Syndromic X-linked intellectual disability Nascimento type. Identifiers: Orphanet 163956, MedGen C3275464, MONDO:0010461, OMIM 300860.

Submission:

Division of Genetic & Genomic Pathology, Hong Kong Children's Hospital
Classification: Likely pathogenic for Intellectual developmental disorder, X-linked, syndromic, Nascimento type. Last evaluated: 2024-05-31. Review status: criteria provided, single submitter. Criteria: ACMG Guidelines, 2015. Collection method: clinical testing. Allele origin: germline. Affected: yes.
Comment: NM_003336.4(UBE2A):c.125+1G>T p.? is a splicing variant in intron 2 of the gene, affecting the canonical donor splice site. This variant is absent in population control database (gnomAD v4.1.0) and clinical databases (ClinVar and HGMD Professional 2024.1). UBE2A is curated as a gene with sufficient evidence for haploinsufficiency in ClinGen. For these reasons, this variant is classified as likely pathogenic.